The following is an entry in ClinVar:

NM_001267550.2(TTN):c.19714+1G>A

Gene: TTN (titin; minus strand). Cytogenetic location: 2q31.2.
Variant type: single nucleotide variant.
Coding change: c.19714+1G>A on transcript NM_001267550.2 (MANE Select); the canonical splice donor site of the intron after coding-DNA position 19714, G replaced by A.
Molecular consequence: splice donor variant. On other transcripts: intron variant (3).
Genome position (GRCh38, 1-based): chr2:178,728,109, C>T on the plus strand (G>A on the coding strand, the complement: TTN is on the minus strand). VCF-style: chr2-178728109-C-T. GRCh37 (hg19) VCF-style: chr2-179592836-C-T.
Other names: c.13282+9973G>A (NM_003319.4); c.13858+9973G>A (NM_133437.4); c.13657+9973G>A (NM_133432.3); c.15982+1G>A (NM_133378.4); c.18763+1G>A (NM_001256850.1).
Identifiers: ClinVar variation 4794543 (VCV004794543.1).

ClinVar aggregate classification (germline): Likely pathogenic (1 of 4 stars; one submission).

Conditions:
Autosomal recessive limb-girdle muscular dystrophy type 2J (LGMDR10). Also called: MUSCULAR DYSTROPHY, LIMB-GIRDLE, AUTOSOMAL RECESSIVE 10; Limb-girdle muscular dystrophy, type 2J. Identifiers: Orphanet 140922, MedGen C1837342, MONDO:0012127, OMIM 608807.
Dilated cardiomyopathy 1G (CMD1G). Identifiers: Orphanet 154, MedGen C1858763, MONDO:0011400, OMIM 604145.

Submission:

Labcorp Genetics (formerly Invitae), Labcorp
Classification: Likely pathogenic for Dilated cardiomyopathy 1G; Autosomal recessive limb-girdle muscular dystrophy type 2J. Last evaluated: 2025-07-14. Review status: criteria provided, single submitter. Criteria: Invitae Variant Classification Sherloc (09022015). Collection method: clinical testing. Allele origin: germline.
Comment: This sequence change affects a donor splice site in intron 67 of the TTN gene. It is expected to disrupt RNA splicing and likely results in a truncated or disrupted TTN protein. This variant is not present in population databases (gnomAD no frequency). Disruption of this splice site has been observed in individual(s) with clinical features of autosomal recessive congenital myopathy (PMID: 33333461). Algorithms developed to predict the effect of sequence changes on RNA splicing suggest that this variant may disrupt the consensus splice site. This variant is located in the I band of TTN (PMID: 25589632). Truncating variants in this region have been reported in individuals affected with autosomal recessive centronuclear myopathy (PMID: 23975875, internal data). Truncating variants in this region have also been identified in individuals affected with autosomal dominant dilated cardiomyopathy and/or cardio-related conditions (PMID: 27869827, 32964742, internal data). In summary, the currently available evidence indicates that the variant is pathogenic, but additional data are needed to prove that conclusively. Therefore, this variant has been classified as Likely Pathogenic.

Literature cited by the submitters: PubMed 33333461; PubMed 25589632; PubMed 23975875; PubMed 27869827; PubMed 32964742.